The following is an entry in ClinVar:

ClinVar aggregate classification (germline): Uncertain significance. Review status: criteria provided, multiple submitters, no conflicts (2 of 4 stars). 4 submissions from 4 submitters: Uncertain significance (4). Last evaluated 2025-06-07.

Conditions:
PREPL-related disorder. Also called: PREPL-related condition.
Myasthenic syndrome, congenital, 22 (CMS22). Also called: PREPL DEFICIENCY. Identifiers: MedGen C4479088, MONDO:0044299, OMIM 616224.
Inborn genetic diseases. Identifiers: MedGen C0950123, MeSH D030342.

Allele frequency attached by ClinVar (database versions not stated): gnomAD exomes 0.00002 and 0.00003; ExAC 0.00004; TOPMed 0.00008; gnomAD 0.00011 and 0.00012.
gnomAD v4.1: 72 of 1,613,410 alleles (0.0045%); highest among the groups gnomAD compares: African/African-American, 0.061%; 1 homozygote.

Submissions (4):

Ambry Genetics
Classification: Uncertain significance for Inborn genetic diseases. Last evaluated: 2025-06-07. Review status: criteria provided, single submitter. Criteria: Ambry Variant Classification Scheme 2023. Collection method: clinical testing. Allele origin: germline.

PreventionGenetics, part of Exact Sciences
Classification: Uncertain significance for PREPL-related condition. Last evaluated: 2025-03-07. Review status: criteria provided, single submitter. Criteria: ACMG Guidelines, 2015. Collection method: clinical testing. Allele origin: germline.
Comment: The PREPL c.2014G>C variant is predicted to result in the amino acid substitution p.Gly672Arg. To our knowledge, this variant has not been reported in the literature. This variant is reported in 0.032% of alleles in individuals of African descent in gnomAD. At this time, the clinical significance of this variant is uncertain due to the absence of conclusive functional and genetic evidence.

Labcorp Genetics (formerly Invitae), Labcorp
Classification: Uncertain significance for Myasthenic syndrome, congenital, 22. Last evaluated: 2022-08-16. Review status: criteria provided, single submitter. Criteria: Invitae Variant Classification Sherloc (09022015). Collection method: clinical testing. Allele origin: germline.
Comment: This sequence change replaces glycine, which is neutral and non-polar, with arginine, which is basic and polar, at codon 672 of the PREPL protein (p.Gly672Arg). This variant is present in population databases (rs758234210, gnomAD 0.04%). This variant has not been reported in the literature in individuals affected with PREPL-related conditions. ClinVar contains an entry for this variant (Variation ID: 403343). Algorithms developed to predict the effect of missense changes on protein structure and function (SIFT, PolyPhen-2, Align-GVGD) all suggest that this variant is likely to be tolerated. Algorithms developed to predict the effect of sequence changes on RNA splicing suggest that this variant may disrupt the consensus splice site. In summary, the available evidence is currently insufficient to determine the role of this variant in disease. Therefore, it has been classified as a Variant of Uncertain Significance.

Laboratory for Molecular Medicine, Mass General Brigham Personalized Medicine
Classification: Uncertain significance. Last evaluated: 2016-03-28. Review status: criteria provided, single submitter. Criteria: LMM Criteria. Collection method: clinical testing. Allele origin: germline.
Comment: Variant identified in a genome or exome case(s) and assessed due to predicted null impact of the variant or pathogenic assertions in the literature or databases. Disclaimer: This variant has not undergone full assessment. The following are preliminary notes: Deletions in PREPL have been associated with hypotonia-cystinura syndrome, characterized by hyoptonia, growth impairment/growth hormone deficiency, muscle weakness, and feeding problems - significant overlap with our proband's reported phenotypes. This variant disrupts a possible cryptic splice donor, but I don't think there is enough evidence to get above a VUS. The other 2 variants in this gene were filtered out due to high frequency (~2%). Should we run a filtration to return all PREPL variants in all 4 family members?

NM_001171613.2(PREPL):c.1747G>C (p.Gly583Arg)

Gene: PREPL (prolyl endopeptidase like; minus strand). Cytogenetic location: 2p21.
Variant type: single nucleotide variant.
Coding change: c.1747G>C on transcript NM_001171613.2 (MANE Select); coding-DNA position 1747, G replaced by C.
Protein change: p.Gly583Arg; replaces glycine 583 with arginine.
Molecular consequence: missense variant.
Genome position (GRCh38, 1-based): chr2:44,322,737, C>G on the plus strand (G>C on the coding strand, the complement: PREPL is on the minus strand). VCF-style: chr2-44322737-C-G. GRCh37 (hg19) VCF-style: chr2-44549876-C-G.
Other names: c.1828G>C, p.Gly610Arg (NM_001042385.2); c.1816G>C, p.Gly606Arg (NM_001042386.2); c.2014G>C, p.Gly672Arg (NM_001171603.1, NM_001171606.2, NM_001374275.1 and 2 more transcripts); c.1747G>C, p.Gly583Arg (NM_001171617.1, NM_001374277.1); short protein forms G672R, G583R, G610R, G606R.
Identifiers: ClinVar variation 403343 (VCV000403343.12), dbSNP rs758234210, ClinGen allele CA1640982.